The following is an entry in ClinVar:

NM_021728.4(OTX2):c.376G>C (p.Ala126Pro)

Gene: OTX2 (orthodenticle homeobox 2; minus strand). Cytogenetic location: 14q22.3.
Variant type: single nucleotide variant.
Coding change: c.376G>C on transcript NM_021728.4 (MANE Select); coding-DNA position 376, G replaced by C.
Protein change: p.Ala126Pro; replaces alanine 126 with proline.
Molecular consequence: missense variant. On other transcripts: non-coding transcript variant (2).
Genome position (GRCh38, 1-based): chr14:56,802,253, C>G on the plus strand (G>C on the coding strand, the complement: OTX2 is on the minus strand). VCF-style: chr14-56802253-C-G. GRCh37 (hg19) VCF-style: chr14-57268971-C-G.
Other names: c.352G>C, p.Ala118Pro (NM_001270523.2, NM_001270524.2, NM_172337.3); c.376G>C, p.Ala126Pro (NM_001270525.2); short protein forms A118P, A126P.
Identifiers: ClinVar variation 1010274 (VCV001010274.11), dbSNP rs925178840, ClinGen allele CA261910286.

ClinVar aggregate classification (germline): Uncertain significance (1 of 4 stars; one submission).

Conditions:
Anophthalmia-microphthalmia syndrome. Also called: Anophthalmia/Microphthalmia; Anophthalmia - microphthalmia. Identifiers: Orphanet 98555, MedGen C5680330, MONDO:0020147.

Allele frequency attached by ClinVar (database versions not stated): gnomAD exomes 0.00001; gnomAD 0.00003 and 0.00004; TOPMed 0.00005.

Submission:

Labcorp Genetics (formerly Invitae), Labcorp
Classification: Uncertain significance for Anophthalmia-microphthalmia syndrome. Last evaluated: 2025-06-12. Review status: criteria provided, single submitter. Criteria: Invitae Variant Classification Sherloc (09022015). Collection method: clinical testing. Allele origin: germline.
Comment: This sequence change replaces alanine, which is neutral and non-polar, with proline, which is neutral and non-polar, at codon 118 of the OTX2 protein (p.Ala118Pro). This variant is present in population databases (no rsID available, gnomAD 0.01%). This missense change has been observed in individual(s) with clinical features of OTX2-related conditions (internal data). ClinVar contains an entry for this variant (Variation ID: 1010274). An algorithm developed to predict the effect of missense changes on protein structure and function (PolyPhen-2) suggests that this variant is likely to be tolerated. In summary, the available evidence is currently insufficient to determine the role of this variant in disease. Therefore, it has been classified as a Variant of Uncertain Significance.